The following is an entry in ClinVar:

NM_006859.4(LIAS):c.683T>C (p.Leu228Pro)

Gene: LIAS (lipoic acid synthetase; plus strand). Cytogenetic location: 4p14.
Variant type: single nucleotide variant.
Coding change: c.683T>C on transcript NM_006859.4 (MANE Select); coding-DNA position 683, T replaced by C.
Protein change: p.Leu228Pro; replaces leucine 228 with proline.
Molecular consequence: missense variant. On other transcripts: intron variant (1).
Genome position (GRCh38, 1-based): chr4:39,467,592, T>C. VCF-style: chr4-39467592-T-C. GRCh37 (hg19) VCF-style: chr4-39469212-T-C.
Other names: c.374T>C, p.Leu125Pro (NM_001363700.2); c.683T>C, p.Leu228Pro (NM_194451.3); c.608+2250T>C (NM_001278590.2); short protein forms L228P, L125P.
Identifiers: ClinVar variation 540082 (VCV000540082.6), dbSNP rs1553934545, ClinGen allele CA356664995.

ClinVar aggregate classification (germline): Uncertain significance (1 of 4 stars; one submission).

Conditions:
Lipoic acid synthetase deficiency. Also called: HYPERGLYCINEMIA, LACTIC ACIDOSIS, AND SEIZURES. Identifiers: Orphanet 401859, MedGen C3280887, MONDO:0013762, OMIM 614462.

Submission:

Labcorp Genetics (formerly Invitae), Labcorp
Classification: Uncertain significance for Lipoic acid synthetase deficiency. Last evaluated: 2021-08-28. Review status: criteria provided, single submitter. Criteria: Invitae Variant Classification Sherloc (09022015). Collection method: clinical testing. Allele origin: germline.
Comment: This sequence change replaces leucine with proline at codon 228 of the LIAS protein (p.Leu228Pro). The leucine residue is moderately conserved and there is a moderate physicochemical difference between leucine and proline. This variant is not present in population databases (ExAC no frequency). This variant has not been reported in the literature in individuals affected with LIAS-related conditions. Algorithms developed to predict the effect of missense changes on protein structure and function (SIFT, PolyPhen-2, Align-GVGD) all suggest that this variant is likely to be tolerated. In summary, the available evidence is currently insufficient to determine the role of this variant in disease. Therefore, it has been classified as a Variant of Uncertain Significance.